The following is an entry in ClinVar:

NM_000256.3(MYBPC3):c.852-11C>T

Gene: MYBPC3 (myosin binding protein C3; minus strand). Cytogenetic location: 11p11.2.
Variant type: single nucleotide variant.
Coding change: c.852-11C>T on transcript NM_000256.3 (MANE Select); 11 bases into the intron before coding-DNA position 852, C replaced by T.
Molecular consequence: intron variant.
Genome position (GRCh38, 1-based): chr11:47,347,490, G>A on the plus strand (C>T on the coding strand, the complement: MYBPC3 is on the minus strand). VCF-style: chr11-47347490-G-A. GRCh37 (hg19) VCF-style: chr11-47369041-G-A.
Identifiers: ClinVar variation 3074880 (VCV003074880.1), dbSNP rs2495774170, ClinGen allele CA2825002012.

ClinVar aggregate classification (germline): Likely benign (1 of 4 stars; one submission).

Conditions:
Hypertrophic cardiomyopathy. Also called: HYPERTROPHIC MYOCARDIOPATHY. Identifiers: Orphanet 217569, MedGen C0007194, MeSH D002312, MONDO:0005045, HP:0001639.

Submission:

All of Us Research Program, National Institutes of Health
Classification: Likely benign for Hypertrophic cardiomyopathy. Last evaluated: 2023-12-13. Review status: criteria provided, single submitter. Criteria: ACMG Guidelines, 2015. Collection method: clinical testing. Allele origin: germline. Inheritance: Autosomal dominant inheritance. Observed: 1 variant allele, 1 heterozygote.
Comment: This study involves interpretation of variants in research participants for the purpose of population health screening. Participant phenotype was not available at the time of variant classification. Additional details can be found in publication PMID: 35346344, PMCID: PMC8962531